The following is an entry in ClinVar:

NM_024656.4(COLGALT1):c.366G>A (p.Glu122=)

Gene: COLGALT1 (collagen beta(1-O)galactosyltransferase 1; plus strand). Cytogenetic location: 19p13.11.
Variant type: single nucleotide variant.
Coding change: c.366G>A on transcript NM_024656.4 (MANE Select); coding-DNA position 366, G replaced by A.
Protein change: p.Glu122=; no amino-acid change (glutamic acid 122 retained).
Molecular consequence: synonymous variant.
Genome position (GRCh38, 1-based): chr19:17,559,416, G>A. VCF-style: chr19-17559416-G-A. GRCh37 (hg19) VCF-style: chr19-17670225-G-A.
Identifiers: ClinVar variation 2195016 (VCV002195016.9), dbSNP rs761515399, ClinGen allele CA9296866.
Genomic context (GRCh38, chr19:17,559,416, plus strand): 5'-GGAGTGGCTGGTGGCCGTGAAGAGTTTGTACCATTCCGTGGAGTGGCGGCCAGCAGAGGA[G>A]CCCAGGTGAGCATCTTTCCCCTGCTCCTAGTCTGATTGGGCTTTGCCTCTGCTCACACAC-3'
Protein context (NP_078932.2, residues 112-132): YHSVEWRPAE[Glu122=]PRSYPDEEGP

ClinVar aggregate classification (germline): Likely benign. Review status: criteria provided, multiple submitters, no conflicts (2 of 4 stars). 2 submissions from 2 submitters: Likely benign (2). Last evaluated 2025-12-01.

Allele frequency attached by ClinVar (database versions not stated): TOPMed below 0.00001; gnomAD exomes 0.00001; gnomAD 0.00002; ExAC 0.00005.
gnomAD v4.1: 13 of 1,550,936 alleles (0.00084%); highest among the groups gnomAD compares: Non-Finnish European, 0.0011%; no homozygotes.

Submissions (2):

CeGaT Center for Human Genetics Tuebingen
Classification: Likely benign. Last evaluated: 2025-12-01. Review status: criteria provided, single submitter. Criteria: CeGaT Center For Human Genetics Tuebingen Variant Classification Criteria Version 2. Collection method: clinical testing. Allele origin: germline. Affected: yes. Observed: 1 variant allele.
Comment: COLGALT1: BP4, BP7

Labcorp Genetics (formerly Invitae), Labcorp
Classification: Likely benign. Last evaluated: 2023-08-04. Review status: criteria provided, single submitter. Criteria: Invitae Variant Classification Sherloc (09022015). Collection method: clinical testing. Allele origin: germline.